The following is an entry in ClinVar:

ClinVar aggregate classification (germline): Uncertain significance (1 of 4 stars; one submission).

Conditions:
Developmental and epileptic encephalopathy, 54. Also called: Epileptic encephalopathy, early infantile, 54; HNRNPU-Related Neurodevelopmental Disorder. Identifiers: MedGen C4479319, MONDO:0033363, OMIM 617391.

Submission:

Labcorp Genetics (formerly Invitae), Labcorp
Classification: Uncertain significance for Developmental and epileptic encephalopathy, 54. Last evaluated: 2024-12-02. Review status: criteria provided, single submitter. Criteria: Invitae Variant Classification Sherloc (09022015). Collection method: clinical testing. Allele origin: germline.
Comment: This sequence change replaces leucine, which is neutral and non-polar, with valine, which is neutral and non-polar, at codon 428 of the HNRNPU protein (p.Leu428Val). This variant is not present in population databases (gnomAD no frequency). This variant has not been reported in the literature in individuals affected with HNRNPU-related conditions. ClinVar contains an entry for this variant (Variation ID: 943928). Invitae Evidence Modeling of protein sequence and biophysical properties (such as structural, functional, and spatial information, amino acid conservation, physicochemical variation, residue mobility, and thermodynamic stability) has been performed for this missense variant. However, the output from this modeling did not meet the statistical confidence thresholds required to predict the impact of this variant on HNRNPU protein function. In summary, the available evidence is currently insufficient to determine the role of this variant in disease. Therefore, it has been classified as a Variant of Uncertain Significance.

NM_031844.3(HNRNPU):c.1282C>G (p.Leu428Val)

Gene: HNRNPU (heterogeneous nuclear ribonucleoprotein U; minus strand). Cytogenetic location: 1q44.
Variant type: single nucleotide variant.
Coding change: c.1282C>G on transcript NM_031844.3 (MANE Select); coding-DNA position 1282, C replaced by G.
Protein change: p.Leu428Val; replaces leucine 428 with valine.
Molecular consequence: missense variant.
Genome position (GRCh38, 1-based): chr1:244,858,223, G>C on the plus strand (C>G on the coding strand, the complement: HNRNPU is on the minus strand). VCF-style: chr1-244858223-G-C. GRCh37 (hg19) VCF-style: chr1-245021525-G-C.
Other names: c.1225C>G, p.Leu409Val (NM_004501.3); short protein forms L428V, L409V.
Identifiers: ClinVar variation 943928 (VCV000943928.10), dbSNP rs1680730995, ClinGen allele CA345491974.